The following is an entry in ClinVar:

NM_139076.3(ABRAXAS1):c.586C>A (p.Gln196Lys)

Gene: ABRAXAS1 (abraxas 1, BRCA1 A complex subunit; minus strand). Cytogenetic location: 4q21.23.
Variant type: single nucleotide variant.
Coding change: c.586C>A on transcript NM_139076.3 (MANE Select); coding-DNA position 586, C replaced by A.
Protein change: p.Gln196Lys; replaces glutamine 196 with lysine.
Molecular consequence: missense variant.
Genome position (GRCh38, 1-based): chr4:83,469,042, G>T on the plus strand (C>A on the coding strand, the complement: ABRAXAS1 is on the minus strand). VCF-style: chr4-83469042-G-T. GRCh37 (hg19) VCF-style: chr4-84390195-G-T.
Other names: c.259C>A, p.Gln87Lys (NM_001345962.2); short protein forms Q87K, Q196K.
Identifiers: ClinVar variation 1516033 (VCV001516033.8), dbSNP rs1453713620, ClinGen allele CA357259371.
Genomic context (GRCh38, chr4:83,469,042, plus strand): 5'-TTAATTTCAAAGATGAATAGAAGTTTTGTGAGAAAGCAGTTGAATCTTACCTGTGTGTTT[G>T]TACTGCTCGGCTAAAACCAGTGGACATACAGGAACCTGATACAGTTTTATAACCCAGTTG-3'
Protein context (NP_620775.2, residues 186-206): CMSTGFSRAV[Gln196Lys]THSSKFFEED

ClinVar aggregate classification (germline): Uncertain significance (1 of 4 stars; one submission).

Submission:

Labcorp Genetics (formerly Invitae), Labcorp
Classification: Uncertain significance. Last evaluated: 2021-01-11. Review status: criteria provided, single submitter. Criteria: Invitae Variant Classification Sherloc (09022015). Collection method: clinical testing. Allele origin: germline.
Comment: In summary, the available evidence is currently insufficient to determine the role of this variant in disease. Therefore, it has been classified as a Variant of Uncertain Significance. Algorithms developed to predict the effect of missense changes on protein structure and function output the following: SIFT: "Tolerated"; PolyPhen-2: "Benign"; Align-GVGD: "Class C0". The lysine amino acid residue is found in multiple mammalian species, suggesting that this missense change does not adversely affect protein function. These predictions have not been confirmed by published functional studies and their clinical significance is uncertain. This variant has not been reported in the literature in individuals with ABRAXAS1-related conditions. This variant is not present in population databases (ExAC no frequency). This sequence change replaces glutamine with lysine at codon 196 of the ABRAXAS1 protein (p.Gln196Lys). The glutamine residue is weakly conserved and there is a small physicochemical difference between glutamine and lysine.